The following is an entry in ClinVar:

ClinVar aggregate classification (germline): Uncertain significance. Review status: criteria provided, multiple submitters, no conflicts (2 of 4 stars). 9 submissions from 9 submitters: Uncertain significance (8). 1 of the submissions does not count toward it. Last evaluated 2026-01-17.

Conditions:
Inborn genetic diseases. Identifiers: MedGen C0950123, MeSH D030342.
POLG-related disorder. Also called: POLG-Related Spectrum Disorders; POLG-related condition; POLG-Related Disorders. Identifiers: MedGen C4763519.
Progressive sclerosing poliodystrophy (MTDPS4A). Also called: Mitochondrial DNA depletion syndrome 4A (Alpers type); Mitochondrial DNA Depletion Syndrome 4A; ALPERS PROGRESSIVE INFANTILE POLIODYSTROPHY; Alpers-Huttenlocher Syndrome; Alpers Syndrome; ALPERS DIFFUSE DEGENERATION OF CEREBRAL GRAY MATTER WITH HEPATIC CIRRHOSIS. Identifiers: Orphanet 726, MedGen C0205710, MONDO:0008758, OMIM 203700.

Allele frequency attached by ClinVar (database versions not stated): ExAC 0.00003; gnomAD exomes 0.00004; TOPMed 0.00006; gnomAD 0.00008; ESP Exome Variant Server 0.00015.
gnomAD v4.1: 146 of 1,614,030 alleles (0.009%); highest among the groups gnomAD compares: Non-Finnish European, 0.012%; no homozygotes.

Submissions (9):

Labcorp Genetics (formerly Invitae), Labcorp
Classification: Uncertain significance for Progressive sclerosing poliodystrophy. Last evaluated: 2026-01-17. Review status: criteria provided, single submitter. Criteria: Invitae Variant Classification Sherloc (09022015). Collection method: clinical testing. Allele origin: germline.
Comment: This sequence change replaces proline, which is neutral and non-polar, with leucine, which is neutral and non-polar, at codon 881 of the POLG protein (p.Pro881Leu). This variant is present in population databases (rs375935084, gnomAD 0.01%). This variant has not been reported in the literature in individuals affected with POLG-related conditions. ClinVar contains an entry for this variant (Variation ID: 206611). Invitae Evidence Modeling of protein sequence and biophysical properties (such as structural, functional, and spatial information, amino acid conservation, physicochemical variation, residue mobility, and thermodynamic stability) indicates that this missense variant is expected to disrupt POLG protein function with a positive predictive value of 95%. In summary, the available evidence is currently insufficient to determine the role of this variant in disease. Therefore, it has been classified as a Variant of Uncertain Significance.

PreventionGenetics, part of Exact Sciences
Classification: Uncertain significance for POLG-related condition. Last evaluated: 2025-11-08. Review status: criteria provided, single submitter. Criteria: ACMG Guidelines, 2015. Collection method: clinical testing. Allele origin: germline.
Comment: The POLG c.2642C>T variant is predicted to result in the amino acid substitution p.Pro881Leu. To our knowledge, this variant has not been reported in the literature. This variant is reported in 0.012% of alleles in individuals of African descent in gnomAD. At this time, the clinical significance of this variant is uncertain due to the absence of conclusive functional and genetic evidence.

Ambry Genetics
Classification: Uncertain significance for Inborn genetic diseases. Last evaluated: 2025-10-14. Review status: criteria provided, single submitter. Criteria: Ambry Variant Classification Scheme 2023. Collection method: clinical testing. Allele origin: germline.
Comment: The c.2642C>T (p.P881L) alteration is located in exon 17 (coding exon 16) of the POLG gene. This alteration results from a C to T substitution at nucleotide position 2642, causing the proline (P) at amino acid position 881 to be replaced by a leucine (L). Based on data from gnomAD, the T allele has an overall frequency of 0.004% (11/282544) total alleles studied. The highest observed frequency was 0.012% (3/24954) of African alleles. Based on insufficient or conflicting evidence, the clinical significance of this alteration remains unclear.

CeGaT Center for Human Genetics Tuebingen
Classification: Uncertain significance. Last evaluated: 2022-07-01. Review status: criteria provided, single submitter. Criteria: CeGaT Center For Human Genetics Tuebingen Variant Classification Criteria Version 2. Collection method: clinical testing. Allele origin: germline. Affected: yes. Observed: 1 variant allele.
Comment: POLG: PM2, PP3

GeneDx
Classification: Uncertain significance. Last evaluated: 2021-06-18. Review status: criteria provided, single submitter. Criteria: GeneDx Variant Classification Process June 2021. Collection method: clinical testing. Allele origin: germline. Affected: yes.
Comment: Has not been previously published as pathogenic or benign to our knowledge; Not observed at significant frequency in large population cohorts (Lek et al., 2016); In silico analysis supports that this missense variant has a deleterious effect on protein structure/function; This variant is associated with the following publications: (PMID: 32347949, 27535533, 20220442)

Athena Diagnostics
Classification: Uncertain significance. Last evaluated: 2019-05-10. Review status: criteria provided, single submitter. Criteria: Athena Diagnostics Criteria. Collection method: clinical testing. Allele origin: germline.

Eurofins Ntd Llc (ga)
Classification: Uncertain significance. Last evaluated: 2018-08-10. Review status: criteria provided, single submitter. Criteria: EGL ClinVar v180209 classification definitions. Collection method: clinical testing. Allele origin: germline. Observed: 1 variant allele, 1 heterozygote.

Illumina Laboratory Services, Illumina
Classification: Uncertain significance for POLG-Related Spectrum Disorders. Last evaluated: 2018-01-13. Review status: criteria provided, single submitter. Criteria: ICSL Variant Classification Criteria 13 December 2019. Collection method: clinical testing. Allele origin: germline.

Wong Mito Lab, Molecular and Human Genetics, Baylor College of Medicine
Classification: Likely pathogenic for Progressive sclerosing poliodystrophy. Last evaluated: 2018-10-01. Review status: flagged submission. Criteria: ACMG Guidelines, 2015. Collection method: clinical testing. Allele origin: germline. Not counted in ClinVar's aggregate classification.
Comment: The NM_002693.2:c.2642C>T (NP_002684.1:p.Pro881Leu) [GRCH38: NC_000015.10:g.89321217G>A] variant in POLG gene is interpretated to be a Likely Pathogenic based on ACMG guidelines (PMID: 25741868). This variant meets the following evidence codes reported in the ACMG-guideline. PM1:This variant is in mutational hot spot or a well-studied functional domain without benign variation. PM2:This variant is absent in key population databases. PP2:This is a missense variant in POLG with a low rate of benign and high rate of pathogenic missense variations. PP3:Computational evidence/predictors indicate the variant has deleterious effect on POLG structure, function, or protein-protein interaction. Based on the evidence criteria codes applied, the variant is suggested to be Likely Pathogenic.
ClinVar note: Reason: Outlier claim with insufficient supporting evidence

NM_002693.3(POLG):c.2642C>T (p.Pro881Leu)

Gene: POLG (DNA polymerase gamma, catalytic subunit; minus strand). Cytogenetic location: 15q26.1.
Variant type: single nucleotide variant.
Coding change: c.2642C>T on transcript NM_002693.3 (MANE Select); coding-DNA position 2642, C replaced by T.
Protein change: p.Pro881Leu; replaces proline 881 with leucine.
Molecular consequence: missense variant.
Genome position (GRCh38, 1-based): chr15:89,321,217, G>A on the plus strand (C>T on the coding strand, the complement: POLG is on the minus strand). VCF-style: chr15-89321217-G-A. GRCh37 (hg19) VCF-style: chr15-89864448-G-A.
Other names: p.P881L:CCA>CTA; c.2642C>T, p.Pro881Leu (NM_001126131.2); short protein forms P881L.
Identifiers: ClinVar variation 206611 (VCV000206611.43), dbSNP rs375935084, ClinGen allele CA316861.